The following is an entry in ClinVar:

ClinVar aggregate classification (germline): Uncertain significance (1 of 4 stars; one submission).

Submission:

GeneDx
Classification: Uncertain significance. Last evaluated: 2025-04-18. Review status: criteria provided, single submitter. Criteria: GeneDx Variant Classification Process June 2021. Collection method: clinical testing. Allele origin: germline. Affected: yes.
Comment: Not observed at significant frequency in large population cohorts (gnomAD); In silico analysis indicates that this missense variant does not alter protein structure/function; Has not been previously published as pathogenic or benign to our knowledge

NM_015001.3(SPEN):c.7864A>T (p.Ile2622Phe)

Gene: SPEN (spen family transcriptional repressor; plus strand). Cytogenetic location: 1p36.13.
Variant type: single nucleotide variant.
Coding change: c.7864A>T on transcript NM_015001.3 (MANE Select); coding-DNA position 7864, A replaced by T.
Protein change: p.Ile2622Phe; replaces isoleucine 2622 with phenylalanine.
Molecular consequence: missense variant.
Genome position (GRCh38, 1-based): chr1:15,934,104, A>T. VCF-style: chr1-15934104-A-T. GRCh37 (hg19) VCF-style: chr1-16260599-A-T.
Other names: short protein forms I2622F.
Identifiers: ClinVar variation 4282223 (VCV004282223.1).